The following is an entry in ClinVar:

ClinVar aggregate classification (germline): Uncertain significance. Review status: criteria provided, multiple submitters, no conflicts (2 of 4 stars). 3 submissions from 3 submitters: Uncertain significance (3). Last evaluated 2025-12-22.

Conditions:
Brachyolmia-amelogenesis imperfecta syndrome. Also called: PLATYSPONDYLY WITH AMELOGENESIS IMPERFECTA; Tooth agenesis, selective, 6; Dental anomalies and short stature. Identifiers: Orphanet 2899, MedGen C1832594, MONDO:0011018, OMIM 601216. Disease mechanism: loss of function.
Inborn genetic diseases. Identifiers: MedGen C0950123, MeSH D030342.

Allele frequency attached by ClinVar (database versions not stated): gnomAD exomes 0.00005; 1000 Genomes Project 30x 0.00062; 1000 Genomes Project 0.00080.
gnomAD v4.1: 62 of 1,537,388 alleles (0.004%); highest among the groups gnomAD compares: African/African-American, 0.059%; no homozygotes.

Submissions (3):

Labcorp Genetics (formerly Invitae), Labcorp
Classification: Uncertain significance for Brachyolmia-amelogenesis imperfecta syndrome. Last evaluated: 2025-12-22. Review status: criteria provided, single submitter. Criteria: Invitae Variant Classification Sherloc (09022015). Collection method: clinical testing. Allele origin: germline.
Comment: This sequence change replaces glycine, which is neutral and non-polar, with arginine, which is basic and polar, at codon 1154 of the LTBP3 protein (p.Gly1154Arg). The frequency data for this variant in the population databases is considered unreliable, as metrics indicate poor data quality at this position in the gnomAD database. This variant has not been reported in the literature in individuals affected with LTBP3-related conditions. ClinVar contains an entry for this variant (Variation ID: 1520147). An algorithm developed to predict the effect of missense changes on protein structure and function (PolyPhen-2) suggests that this variant is likely to be tolerated. In summary, the available evidence is currently insufficient to determine the role of this variant in disease. Therefore, it has been classified as a Variant of Uncertain Significance.

Blueprint Genetics
Classification: Uncertain significance. Last evaluated: 2022-02-04. Review status: criteria provided, single submitter. Criteria: ACMG Guidelines, 2015. Collection method: clinical testing. Allele origin: germline.

Ambry Genetics
Classification: Uncertain significance for Inborn genetic diseases. Last evaluated: 2021-07-30. Review status: criteria provided, single submitter. Criteria: Ambry Variant Classification Scheme 2023. Collection method: clinical testing. Allele origin: germline.
Comment: The p.G1154R variant (also known as c.3460G>A), located in coding exon 25 of the LTBP3 gene, results from a G to A substitution at nucleotide position 3460. The glycine at codon 1154 is replaced by arginine, an amino acid with dissimilar properties. This amino acid position is conserved. In addition, this alteration is predicted to be deleterious by in silico analysis. Since supporting evidence is limited at this time, the clinical significance of this alteration remains unclear.

NM_001130144.3(LTBP3):c.3460G>A (p.Gly1154Arg)

Gene: LTBP3 (latent transforming growth factor beta binding protein 3; minus strand). Cytogenetic location: 11q13.1.
Variant type: single nucleotide variant.
Coding change: c.3460G>A on transcript NM_001130144.3 (MANE Select); coding-DNA position 3460, G replaced by A.
Protein change: p.Gly1154Arg; replaces glycine 1154 with arginine.
Molecular consequence: missense variant.
Genome position (GRCh38, 1-based): chr11:65,539,807, C>T on the plus strand (G>A on the coding strand, the complement: LTBP3 is on the minus strand). VCF-style: chr11-65539807-C-T. GRCh37 (hg19) VCF-style: chr11-65307278-C-T.
Other names: c.2968G>A, p.Gly990Arg (NM_001164266.1); c.3319G>A, p.Gly1107Arg (NM_021070.4); short protein forms G1154R, G990R, G1107R.
Identifiers: ClinVar variation 1520147 (VCV001520147.9), dbSNP rs558144911, ClinGen allele CA6100280.
Genomic context (GRCh38, chr11:65,539,807, plus strand): 5'-ATTGGGCGCCCCAGCCGCGGCCCTGGCGGCAGCAGCAGTCGTCGAAGGTGAGGGCAGGCC[C>T]GGCCAGGGGGCCAGCGCACATGCCGTCCTCTCCGCGCTGGCTCCAGCACACGTCGCGCCG-3'
Protein context (NP_001123616.1, residues 1144-1164): EDGMCAGPLA[Gly1154Arg]PALTFDDCCC